The following is an entry in ClinVar:

ClinVar aggregate classification (germline): Conflicting classifications of pathogenicity. Review status: criteria provided, conflicting classifications (1 of 4 stars). 12 submissions from 10 submitters: Uncertain significance (1); Benign (5); Likely benign (2). 4 of the submissions do not count toward it. Last evaluated 2026-02-04.

Conditions:
Nephronophthisis. Also called: Juvenile Nephronophthisis. Identifiers: Orphanet 655, MedGen C0687120, MONDO:0019005, HP:0000090.
Renal-hepatic-pancreatic dysplasia 1 (RHPD1). Identifiers: MedGen C3715199, MONDO:0008833, OMIM 208540.
Nephronophthisis 3 (NPHP3). Also called: Adolescent nephronophthisis. Identifiers: Orphanet 655, MedGen C1858392, MONDO:0011456, OMIM 604387.
NPHP3-related Meckel-like syndrome. Also called: GOLDSTON SYNDROME; Meckel syndrome type 7. Identifiers: Orphanet 3032, MedGen C2673885, MONDO:0009966, OMIM 267010.

Allele frequency attached by ClinVar (database versions not stated): gnomAD exomes 0.00158 and 0.00061; ESP Exome Variant Server 0.00531; 1000 Genomes Project 30x 0.00921; gnomAD 0.00654 and 0.00609; TOPMed 0.00690; 1000 Genomes Project 0.00958; ExAC 0.00179.
gnomAD v4.1: 1,872 of 1,613,876 alleles (0.12%); highest among the groups gnomAD compares: African/African-American, 2.1%; 21 homozygotes.

Submissions (12):

Labcorp Genetics (formerly Invitae), Labcorp
Classification: Likely benign for Nephronophthisis. Last evaluated: 2026-02-04. Review status: criteria provided, single submitter. Criteria: Invitae Variant Classification Sherloc (09022015). Collection method: clinical testing. Allele origin: germline.

Mayo Clinic Laboratories, Mayo Clinic
Classification: Likely benign. Last evaluated: 2025-10-21. Review status: criteria provided, single submitter. Criteria: ACMG Guidelines, 2015. Collection method: clinical testing. Allele origin: germline. Observed: 9 variant alleles.
Comment: BS1, BS2, BP4, BP7

Genetic Services Laboratory, University of Chicago
Classification: Benign. Last evaluated: 2020-10-23. Review status: criteria provided, single submitter. Criteria: ACMG Guidelines, 2015. Collection method: clinical testing. Allele origin: germline. Affected: no.

GeneDx
Classification: Benign. Last evaluated: 2019-06-25. Review status: criteria provided, single submitter. Criteria: GeneDx Variant Classification Process June 2021. Collection method: clinical testing. Allele origin: germline. Affected: yes.

Illumina Laboratory Services, Illumina
Classification: Uncertain significance for NPHP3-related Meckel-like syndrome. Last evaluated: 2018-01-13. Review status: criteria provided, single submitter. Criteria: ICSL Variant Classification Criteria 13 December 2019. Collection method: clinical testing. Allele origin: germline.

Illumina Laboratory Services, Illumina
Classification: Benign for Nephronophthisis 3. Last evaluated: 2018-01-13. Review status: criteria provided, single submitter. Criteria: ICSL Variant Classification Criteria 13 December 2019. Collection method: clinical testing. Allele origin: germline.
Comment: This variant was observed in the ICSL laboratory as part of a predisposition screen in an ostensibly healthy population. It had not been previously curated by ICSL or reported in the Human Gene Mutation Database (HGMD: prior to June 1st, 2018), and was therefore a candidate for classification through an automated scoring system. Utilizing variant allele frequency, disease prevalence and penetrance estimates, and inheritance mode, an automated score was calculated to assess if this variant is too frequent to cause the disease. Based on the score and internal cut-off values, a variant classified as benign is not then subjected to further curation. The score for this variant resulted in a classification of benign for this disease.

Illumina Laboratory Services, Illumina
Classification: Benign for Renal-hepatic-pancreatic dysplasia 1. Last evaluated: 2018-01-13. Review status: criteria provided, single submitter. Criteria: ICSL Variant Classification Criteria 13 December 2019. Collection method: clinical testing. Allele origin: germline.
Comment: the same text as in the submission from Illumina Laboratory Services, Illumina above.

PreventionGenetics, part of Exact Sciences
Classification: Benign. Review status: criteria provided, single submitter. Criteria: ACMG Guidelines, 2015. Collection method: clinical testing. Allele origin: germline.

Clinical Genetics DNA and cytogenetics Diagnostics Lab, Erasmus MC, Erasmus Medical Center
Classification: Likely benign. Review status: no assertion criteria provided. Collection method: clinical testing. Allele origin: germline. Affected: yes. Study: VKGL Data-share Consensus. Not counted in ClinVar's aggregate classification.

Clinical Genetics, Academic Medical Center
Classification: Benign. Review status: no assertion criteria provided. Collection method: clinical testing. Allele origin: germline. Affected: yes. Study: VKGL Data-share Consensus. Not counted in ClinVar's aggregate classification.

Genome Diagnostics Laboratory, University Medical Center Utrecht
Classification: Likely benign. Review status: no assertion criteria provided. Collection method: clinical testing. Allele origin: germline. Affected: yes. Study: VKGL Data-share Consensus. Not counted in ClinVar's aggregate classification.

Laboratory of Diagnostic Genome Analysis, Leiden University Medical Center (LUMC)
Classification: Likely benign. Review status: no assertion criteria provided. Collection method: clinical testing. Allele origin: germline. Affected: yes. Study: VKGL Data-share Consensus. Not counted in ClinVar's aggregate classification.

NM_153240.5(NPHP3):c.1887+6G>A

Genes: NPHP3 (nephrocystin 3; minus strand), NPHP3-ACAD11 (NPHP3-ACAD11 readthrough (NMD candidate); minus strand). Cytogenetic location: 3q22.1.
Variant type: single nucleotide variant.
Coding change: c.1887+6G>A on transcript NM_153240.5 (MANE Select); 6 bases into the intron after coding-DNA position 1887, G replaced by A.
Molecular consequence: intron variant.
Genome position (GRCh38, 1-based): chr3:132,699,912, C>T on the plus strand (G>A on the coding strand, the complement: NPHP3 is on the minus strand). VCF-style: chr3-132699912-C-T. GRCh37 (hg19) VCF-style: chr3-132418756-C-T.
Other names: p.?.
Identifiers: ClinVar variation 262693 (VCV000262693.25), dbSNP rs79113972, ClinGen allele CA2622186.